The following is an entry in ClinVar:

ClinVar aggregate classification (germline): Uncertain significance (1 of 4 stars; one submission).

Allele frequency attached by ClinVar (database versions not stated): gnomAD 0.00001; TOPMed 0.00002; gnomAD exomes 0.00003.
gnomAD v4.1: 12 of 1,564,658 alleles (0.00077%); highest among the groups gnomAD compares: Admixed American, 0.019%; no homozygotes.

Submission:

Labcorp Genetics (formerly Invitae), Labcorp
Classification: Uncertain significance. Last evaluated: 2023-12-18. Review status: criteria provided, single submitter. Criteria: Invitae Variant Classification Sherloc (09022015). Collection method: clinical testing. Allele origin: germline.
Comment: This sequence change replaces serine, which is neutral and polar, with asparagine, which is neutral and polar, at codon 1264 of the RIMS1 protein (p.Ser1264Asn). This variant is present in population databases (no rsID available, gnomAD 0.02%). This variant has not been reported in the literature in individuals affected with RIMS1-related conditions. ClinVar contains an entry for this variant (Variation ID: 1499946). An algorithm developed to predict the effect of missense changes on protein structure and function (PolyPhen-2) suggests that this variant is likely to be tolerated. In summary, the available evidence is currently insufficient to determine the role of this variant in disease. Therefore, it has been classified as a Variant of Uncertain Significance.

NM_014989.7(RIMS1):c.3791G>A (p.Ser1264Asn)

Gene: RIMS1 (regulating synaptic membrane exocytosis 1; plus strand). Cytogenetic location: 6q13.
Variant type: single nucleotide variant.
Coding change: c.3791G>A on transcript NM_014989.7 (MANE Select); coding-DNA position 3791, G replaced by A.
Protein change: p.Ser1264Asn; replaces serine 1264 with asparagine.
Molecular consequence: missense variant.
Genome position (GRCh38, 1-based): chr6:72,291,987, G>A. VCF-style: chr6-72291987-G-A. GRCh37 (hg19) VCF-style: chr6-73001690-G-A.
Other names: c.1751G>A, p.Ser584Asn (NM_001168407.2, NM_001350422.2); c.1682G>A, p.Ser561Asn (NM_001168408.2, NM_001350414.2, NM_001350430.2 and 2 more transcripts); c.1511G>A, p.Ser504Asn (NM_001168409.2, NM_001350469.2); c.1709G>A, p.Ser570Asn (NM_001168410.2); c.1835G>A, p.Ser612Asn (NM_001350415.2, NM_001350445.2); c.1754G>A, p.Ser585Asn (NM_001350416.2, NM_001350417.2, NM_001350448.2); c.1757G>A, p.Ser586Asn (NM_001350418.2); c.1526G>A, p.Ser509Asn (NM_001350419.2, NM_001350423.2, NM_001350444.2); and 31 more; short protein forms S428N, S479N, S480N, S495N, S560N, S584N, S610N, S645N.
Identifiers: ClinVar variation 1499946 (VCV001499946.6), dbSNP rs1044722458, ClinGen allele CA140897762.